The following is an entry in ClinVar:

ClinVar aggregate classification (germline): Likely benign (0 of 4 stars; one submission).

Conditions:
EPHB2-related disorder. Also called: EPHB2-related condition.

Allele frequency attached by ClinVar (database versions not stated): gnomAD 0.00008; TOPMed 0.00008; ESP Exome Variant Server 0.00023.
gnomAD v4.1: 92 of 1,613,990 alleles (0.0057%); highest among the groups gnomAD compares: South Asian, 0.0088%; no homozygotes.

Submission:

PreventionGenetics, part of Exact Sciences
Classification: Likely benign for EPHB2-related condition. Last evaluated: 2019-08-06. Review status: no assertion criteria provided. Collection method: clinical testing. Allele origin: germline.
Comment: This variant is classified as likely benign based on ACMG/AMP sequence variant interpretation guidelines (Richards et al. 2015 PMID: 25741868, with internal and published modifications).

NM_017449.5(EPHB2):c.279G>A (p.Ser93=)

Gene: EPHB2 (EPH receptor B2; plus strand). Cytogenetic location: 1p36.12.
Variant type: single nucleotide variant.
Coding change: c.279G>A on transcript NM_017449.5 (MANE Select); coding-DNA position 279, G replaced by A.
Protein change: p.Ser93=; no amino-acid change (serine 93 retained).
Molecular consequence: synonymous variant.
Genome position (GRCh38, 1-based): chr1:22,784,544, G>A. VCF-style: chr1-22784544-G-A. GRCh37 (hg19) VCF-style: chr1-23111037-G-A.
Other names: c.279G>A, p.Ser93= (NM_001309192.2, NM_001309193.2, NM_004442.7).
Identifiers: ClinVar variation 3035904 (VCV003035904.2), dbSNP rs371651342, ClinGen allele CA678348.